The following is an entry in ClinVar:

NM_001100913.3(PACS2):c.2189C>T (p.Ala730Val)

Gene: PACS2 (phosphofurin acidic cluster sorting protein 2; plus strand). Cytogenetic location: 14q32.33.
Variant type: single nucleotide variant.
Coding change: c.2189C>T on transcript NM_001100913.3 (MANE Select); coding-DNA position 2189, C replaced by T.
Protein change: p.Ala730Val; replaces alanine 730 with valine.
Molecular consequence: missense variant.
Genome position (GRCh38, 1-based): chr14:105,391,700, C>T. VCF-style: chr14-105391700-C-T. GRCh37 (hg19) VCF-style: chr14-105858037-C-T.
Other names: c.1919C>T, p.Ala640Val (NM_001243127.3); c.2144C>T, p.Ala715Val (NM_015197.4); short protein forms A640V, A715V, A730V.
Identifiers: ClinVar variation 1597799 (VCV001597799.35), dbSNP rs782067835, ClinGen allele CA7389190.
Genomic context (GRCh38, chr14:105,391,700, plus strand): 5'-ACGACGCGGCCCCCTCGGGCTCTGGCACGCTCTCCTCCACCCCGCCGTCCGCATCTCCTG[C>T]GGCCAAGGAGGCCTCACCCACCCCGCCCTCCTCCCCGTCGGTGAGCGGAGGCCTGTCCTC-3'
Protein context (NP_001094383.2, residues 720-740): LSSTPPSASP[Ala730Val]AKEASPTPPS

ClinVar aggregate classification (germline): Likely benign. Review status: criteria provided, multiple submitters, no conflicts (2 of 4 stars). 2 submissions from 2 submitters: Likely benign (2). Last evaluated 2025-06-01.

Allele frequency attached by ClinVar (database versions not stated): gnomAD 0.00010 and 0.00011; TOPMed 0.00011; gnomAD exomes 0.00012; ExAC 0.00013.
gnomAD v4.1: 126 of 1,604,944 alleles (0.0079%); highest among the groups gnomAD compares: African/African-American, 0.004%; no homozygotes.

Submissions (2):

CeGaT Center for Human Genetics Tuebingen
Classification: Likely benign. Last evaluated: 2025-06-01. Review status: criteria provided, single submitter. Criteria: CeGaT Center For Human Genetics Tuebingen Variant Classification Criteria Version 2. Collection method: clinical testing. Allele origin: germline. Affected: yes. Observed: 2 variant alleles.
Comment: PACS2: BS2

Labcorp Genetics (formerly Invitae), Labcorp
Classification: Likely benign. Last evaluated: 2025-04-13. Review status: criteria provided, single submitter. Criteria: Invitae Variant Classification Sherloc (09022015). Collection method: clinical testing. Allele origin: germline.